The following is an entry in ClinVar:

NM_052947.4(ALPK2):c.4664T>C (p.Val1555Ala)

Genes: ALPK2 (alpha kinase 2; minus strand), LOC126862764 (BRD4-independent group 4 enhancer GRCh37_chr18:56202574-56203773; plus strand). Cytogenetic location: 18q21.31.
Variant type: single nucleotide variant.
Coding change: c.4664T>C on transcript NM_052947.4 (MANE Select); coding-DNA position 4664, T replaced by C.
Protein change: p.Val1555Ala; replaces valine 1555 with alanine.
Molecular consequence: missense variant.
Genome position (GRCh38, 1-based): chr18:58,535,523, A>G on the plus strand (T>C on the coding strand, the complement: ALPK2 is on the minus strand). VCF-style: chr18-58535523-A-G. GRCh37 (hg19) VCF-style: chr18-56202755-A-G.
Other names: short protein forms V1555A.
Identifiers: ClinVar variation 3228758 (VCV003228758.1), dbSNP rs2051639804, ClinGen allele CA402560562.

ClinVar aggregate classification (germline): Uncertain significance (1 of 4 stars; one submission).

Allele frequency attached by ClinVar (database versions not stated): TOPMed below 0.00001.
gnomAD v4.1: 1 of 1,614,164 alleles (0.000062%); highest among the groups gnomAD compares: Non-Finnish European, 0.000085%; no homozygotes.

Submission:

Ambry Genetics
Classification: Uncertain significance. Last evaluated: 2024-01-05. Review status: criteria provided, single submitter. Criteria: Ambry Variant Classification Scheme 2023. Collection method: clinical testing. Allele origin: germline.
Comment: The p.V1555A variant (also known as c.4664T>C), located in coding exon 4 of the ALPK2 gene, results from a T to C substitution at nucleotide position 4664. The valine at codon 1555 is replaced by alanine, an amino acid with similar properties. This amino acid position is conserved. In addition, this alteration is predicted to be tolerated by in silico analysis. Since supporting evidence is limited at this time, the clinical significance of this alteration remains unclear.